The following is an entry in ClinVar:

NM_024675.4(PALB2):c.1386_1390dup (p.Arg464fs)

Gene: PALB2 (partner and localizer of BRCA2; minus strand). Cytogenetic location: 16p12.2.
Variant type: Duplication.
Coding change: c.1386_1390dup on transcript NM_024675.4 (MANE Select); coding-DNA positions 1386 to 1390, 5 bases duplicated (AATTA; older notation c.1386_1390dupAATTA).
Protein change: p.Arg464fs; shifts the reading frame from arginine 464.
Molecular consequence: frameshift variant.
Genome position (GRCh38, 1-based): chr16:23,635,156-23,635,160, TAATT duplicated on the plus strand (AATTA on the coding strand, the reverse complement: PALB2 is on the minus strand); duplicating any 5 consecutive bases within chr16:23,635,156-23,635,161 gives the same sequence; the c. name uses the placement nearest the transcript's 3' end. VCF-style (leftmost placement, unchanged base first): chr16-23635155-C-CTAATT. GRCh37 (hg19) VCF-style: chr16-23646476-C-CTAATT.
Other names: c.1386_1390dupAATTA (NM_024675.3); short protein forms R464fs.
Identifiers: ClinVar variation 1456879 (VCV001456879.8), dbSNP rs2142417496, ClinGen allele CA2573152177.

ClinVar aggregate classification (germline): Pathogenic. Review status: criteria provided, multiple submitters, no conflicts (2 of 4 stars). 2 submissions from 2 submitters: Pathogenic (2). Last evaluated 2025-05-14.

Conditions:
Hereditary cancer-predisposing syndrome. Also called: Neoplastic Syndromes, Hereditary; Hereditary Cancer Syndrome; Hereditary neoplastic syndrome; Tumor predisposition. Identifiers: Orphanet 140162, MedGen C0027672, MeSH D009386, MONDO:0015356.
Familial cancer of breast. Also called: BREAST CANCER, FAMILIAL; hereditary breast carcinoma; Hereditary breast cancer. Identifiers: Orphanet 227535, MedGen C0346153, MONDO:0016419, OMIM 114480. Disease mechanism: loss of function.

Submissions (2):

Ambry Genetics
Classification: Pathogenic for Hereditary cancer-predisposing syndrome. Last evaluated: 2025-05-14. Review status: criteria provided, single submitter. Criteria: Ambry Variant Classification Scheme 2023. Collection method: clinical testing. Allele origin: germline.
Comment: The c.1386_1390dupAATTA pathogenic mutation, located in coding exon 4 of the PALB2 gene, results from a duplication of AATTA at nucleotide position 1386, causing a translational frameshift with a predicted alternate stop codon (p.R464Kfs*23). This variant is considered to be rare based on population cohorts in the Genome Aggregation Database (gnomAD). This alteration is expected to result in loss of function by premature protein truncation or nonsense-mediated mRNA decay. As such, this alteration is interpreted as a disease-causing mutation.

Labcorp Genetics (formerly Invitae), Labcorp
Classification: Pathogenic for Familial cancer of breast. Last evaluated: 2022-08-22. Review status: criteria provided, single submitter. Criteria: Invitae Variant Classification Sherloc (09022015). Collection method: clinical testing. Allele origin: germline.
Comment: This variant is not present in population databases (gnomAD no frequency). This sequence change creates a premature translational stop signal (p.Arg464Lysfs*23) in the PALB2 gene. It is expected to result in an absent or disrupted protein product. Loss-of-function variants in PALB2 are known to be pathogenic (PMID: 17200668, 17200671, 17200672, 24136930, 25099575). This variant has not been reported in the literature in individuals affected with PALB2-related conditions. For these reasons, this variant has been classified as Pathogenic. ClinVar contains an entry for this variant (Variation ID: 1456879).

Literature cited by the submitters: PubMed 17200668 (cited by Labcorp Genetics (formerly Invitae), Labcorp); PubMed 17200671 (cited by Labcorp Genetics (formerly Invitae), Labcorp); PubMed 17200672 (cited by Labcorp Genetics (formerly Invitae), Labcorp); PubMed 24136930 (cited by Labcorp Genetics (formerly Invitae), Labcorp); PubMed 25099575 (cited by Labcorp Genetics (formerly Invitae), Labcorp).